The following is an entry in ClinVar:

ClinVar aggregate classification (germline): Uncertain significance. Review status: criteria provided, multiple submitters, no conflicts (2 of 4 stars). 3 submissions from 3 submitters: Uncertain significance (3). Last evaluated 2025-07-01.

Conditions:
Inborn genetic diseases. Identifiers: MedGen C0950123, MeSH D030342.
Nemaline myopathy 2 (NEM2). Also called: Nemaline myopathy 2, autosomal recessive. Identifiers: MedGen C1850569, MONDO:0009725, OMIM 256030.

Allele frequency attached by ClinVar (database versions not stated): gnomAD 0.00001; gnomAD exomes 0.00001; TOPMed 0.00001.
gnomAD v4.1: 13 of 1,613,806 alleles (0.00081%); highest among the groups gnomAD compares: Non-Finnish European, 0.0011%; no homozygotes.

Submissions (3):

Ambry Genetics
Classification: Uncertain significance for Inborn genetic diseases. Last evaluated: 2025-07-01. Review status: criteria provided, single submitter. Criteria: Ambry Variant Classification Scheme 2023. Collection method: clinical testing. Allele origin: germline.

Labcorp Genetics (formerly Invitae), Labcorp
Classification: Uncertain significance for Nemaline myopathy 2. Last evaluated: 2021-12-11. Review status: criteria provided, single submitter. Criteria: Invitae Variant Classification Sherloc (09022015). Collection method: clinical testing. Allele origin: germline.
Comment: This sequence change replaces alanine, which is neutral and non-polar, with glycine, which is neutral and non-polar, at codon 8517 of the NEB protein (p.Ala8517Gly). This variant is present in population databases (rs774603877, gnomAD 0.007%). This variant has not been reported in the literature in individuals affected with NEB-related conditions. ClinVar contains an entry for this variant (Variation ID: 497734). Algorithms developed to predict the effect of missense changes on protein structure and function are either unavailable or do not agree on the potential impact of this missense change (SIFT: "Deleterious"; PolyPhen-2: "Not Available"; Align-GVGD: "Class C0"). In summary, the available evidence is currently insufficient to determine the role of this variant in disease. Therefore, it has been classified as a Variant of Uncertain Significance.

Eurofins Ntd Llc (ga)
Classification: Uncertain significance. Last evaluated: 2016-10-14. Review status: criteria provided, single submitter. Criteria: EGL Classification Definitions 2015. Collection method: clinical testing. Allele origin: germline. Observed: 2 variant alleles, 2 heterozygotes.

NM_001164508.2(NEB):c.25445C>G (p.Ala8482Gly)

Genes: NEB (nebulin; minus strand), RIF1 (replication timing regulatory factor 1; plus strand). Cytogenetic location: 2q23.3.
Variant type: single nucleotide variant.
Coding change: c.25445C>G on transcript NM_001164508.2 (MANE Select); coding-DNA position 25445, C replaced by G.
Protein change: p.Ala8482Gly; replaces alanine 8482 with glycine.
Molecular consequence: missense variant.
Genome position (GRCh38, 1-based): chr2:151,485,893, G>C on the plus strand (C>G on the coding strand, the complement: NEB is on the minus strand). VCF-style: chr2-151485893-G-C. GRCh37 (hg19) VCF-style: chr2-152342407-G-C.
Other names: c.25445C>G, p.Ala8482Gly (NM_001164507.2); c.25550C>G, p.Ala8517Gly (NM_001271208.2); c.19877C>G, p.Ala6626Gly (NM_004543.5); c.19877C>G (NM_004543.4); short protein forms A6626G, A8517G, A8482G.
Identifiers: ClinVar variation 497734 (VCV000497734.8), dbSNP rs774603877, ClinGen allele CA57656024.